The following is an entry in ClinVar:

NM_032551.5(KISS1R):c.*9G>A

Gene: KISS1R (KISS1 receptor; plus strand). Cytogenetic location: 19p13.3.
Variant type: single nucleotide variant.
Coding change: c.*9G>A on transcript NM_032551.5 (MANE Select); 9 bases downstream of the stop codon, G replaced by A.
Molecular consequence: 3 prime UTR variant.
Genome position (GRCh38, 1-based): chr19:920,757, G>A. VCF-style: chr19-920757-G-A. GRCh37 (hg19) VCF-style: chr19-920757-G-A.
Identifiers: ClinVar variation 1708371 (VCV001708371.3), dbSNP rs766849599, ClinGen allele CA9028926.

ClinVar aggregate classification (germline): Uncertain significance (1 of 4 stars; one submission).

Allele frequency attached by ClinVar (database versions not stated): ExAC 0.00019.

Submission:

Centre of Medical Genetics, University Hospital Muenster
Classification: Uncertain significance. Last evaluated: 2021-11-15. Review status: criteria provided, single submitter. Criteria: ACMG Guidelines, 2015. Collection method: clinical testing. Allele origin: unknown. Affected: yes. Observed: 1 variant allele, 1 heterozygote.
Comment: ACMG categories: PM2,BP7